The following is an entry in ClinVar:

ClinVar aggregate classification (germline): Likely pathogenic (1 of 4 stars; one submission).

Conditions:
Marfan syndrome (MFS). Also called: MARFAN SYNDROME, TYPE I; FBN1-Related Marfan Syndrome; Marfan syndrome type 1; Marfan's syndrome; Marfan syndrome, classic. Identifiers: Orphanet 284963, Orphanet 558, MedGen C0024796, MONDO:0007947, OMIM 154700.

Submission:

Women's Health and Genetics/Laboratory Corporation of America, LabCorp
Classification: Likely pathogenic for Marfan syndrome. Last evaluated: 2017-12-12. Review status: criteria provided, single submitter. Criteria: LabCorp Variant Classification Summary - May 2015. Collection method: clinical testing. Allele origin: germline.
Comment: Variant summary: The FBN1 c.1888A>T (p.Asn630Tyr) variant involves the alteration of a conserved nucleotide that is located within one of the EGF-like calcium-binding domains (InterPro). 4/4 in silico tools predict a damaging outcome for this variant (SNPsandGO not captured due to low reliability index). This variant is absent in 246208 control chromosomes. To our knowledge, the variant has not been reported in affected individuals via publications and/or reputable databases/clinical diagnostic laboratories; nor evaluated for functional impact by in vivo/vitro studies. However, variants involving the same codon (such as p.Asn630Ile and p.Asn630Lys) have been identified in affected individuals and are classified as pathogenic by another clinical lab (via ClinVar), and other surrounding variants (such as p.G626R, p.R627C, p.C628Y, and p.G633S) have also been reported in MFS patients, suggesting functional importance of this codon and nearby region. Taken together, this variant is classified as likely pathogenic.

NM_000138.5(FBN1):c.1888A>T (p.Asn630Tyr)

Gene: FBN1 (fibrillin 1; minus strand). Cytogenetic location: 15q21.1.
Variant type: single nucleotide variant.
Coding change: c.1888A>T on transcript NM_000138.5 (MANE Select); coding-DNA position 1888, A replaced by T.
Protein change: p.Asn630Tyr; replaces asparagine 630 with tyrosine.
Molecular consequence: missense variant.
Genome position (GRCh38, 1-based): chr15:48,505,097, T>A on the plus strand (A>T on the coding strand, the complement: FBN1 is on the minus strand). VCF-style: chr15-48505097-T-A. GRCh37 (hg19) VCF-style: chr15-48797294-T-A.
Other names: short protein forms N630Y.
Identifiers: ClinVar variation 495565 (VCV000495565.2), dbSNP rs1555399821, ClinGen allele CA392339102.